The following is an entry in ClinVar:

ClinVar aggregate classification (germline): Uncertain significance (1 of 4 stars; one submission).

Conditions:
Cardiovascular phenotype. Identifiers: MedGen CN230736.

Submission:

Ambry Genetics
Classification: Uncertain significance for Cardiovascular phenotype. Last evaluated: 2023-02-16. Review status: criteria provided, single submitter. Criteria: Ambry Variant Classification Scheme 2023. Collection method: clinical testing. Allele origin: germline.
Comment: The p.G14A variant (also known as c.41G>C), located in coding exon 1 of the ABCG8 gene, results from a G to C substitution at nucleotide position 41. The glycine at codon 14 is replaced by alanine, an amino acid with similar properties. This amino acid position is conserved. In addition, this alteration is predicted to be tolerated by in silico analysis. Since supporting evidence is limited at this time, the clinical significance of this alteration remains unclear.

NM_022437.3(ABCG8):c.41G>C (p.Gly14Ala)

Genes: ABCG5 (ATP binding cassette subfamily G member 5; minus strand), ABCG8 (ATP binding cassette subfamily G member 8; plus strand). Cytogenetic location: 2p21.
Variant type: single nucleotide variant.
Coding change: c.41G>C on transcript NM_022437.3 (MANE Select); coding-DNA position 41, G replaced by C.
Protein change: p.Gly14Ala; replaces glycine 14 with alanine.
Molecular consequence: missense variant.
Genome position (GRCh38, 1-based): chr2:43,839,094, G>C. VCF-style: chr2-43839094-G-C. GRCh37 (hg19) VCF-style: chr2-44066233-G-C.
Other names: c.41G>C, p.Gly14Ala (NM_001357321.2); short protein forms G14A.
Identifiers: ClinVar variation 2450768 (VCV002450768.2), dbSNP rs773804452, ClinGen allele CA346662537.